The following is an entry in ClinVar:

NM_013266.4(CTNNA3):c.1304T>C (p.Met435Thr)

Gene: CTNNA3 (catenin alpha 3; minus strand). Cytogenetic location: 10q21.3.
Variant type: single nucleotide variant.
Coding change: c.1304T>C on transcript NM_013266.4 (MANE Select); coding-DNA position 1304, T replaced by C.
Protein change: p.Met435Thr; replaces methionine 435 with threonine.
Molecular consequence: missense variant.
Genome position (GRCh38, 1-based): chr10:66,621,762, A>G on the plus strand (T>C on the coding strand, the complement: CTNNA3 is on the minus strand). VCF-style: chr10-66621762-A-G. GRCh37 (hg19) VCF-style: chr10-68381520-A-G.
Other names: c.1304T>C, p.Met435Thr (NM_001127384.3); short protein forms M435T.
Identifiers: ClinVar variation 2561995 (VCV002561995.6), dbSNP rs369650832, ClinGen allele CA5519994.

ClinVar aggregate classification (germline): Uncertain significance. Review status: criteria provided, multiple submitters, no conflicts (2 of 4 stars). 3 submissions from 3 submitters: Uncertain significance (3). Last evaluated 2023-05-19.

Conditions:
Arrhythmogenic right ventricular dysplasia 13. Also called: Arrhythmogenic right ventricular dysplasia, familial, 13; ARRHYTHMOGENIC RIGHT VENTRICULAR CARDIOMYOPATHY 13. Identifiers: MedGen C3810138, MONDO:0000908, OMIM 615616.

Allele frequency attached by ClinVar (database versions not stated): ExAC 0.00001; gnomAD exomes 0.00001; ESP Exome Variant Server 0.00008.
gnomAD v4.1: 7 of 1,609,986 alleles (0.00043%); highest among the groups gnomAD compares: Non-Finnish European, 0.00059%; no homozygotes.

Submissions (3):

Labcorp Genetics (formerly Invitae), Labcorp
Classification: Uncertain significance for Arrhythmogenic right ventricular dysplasia 13. Last evaluated: 2023-05-19. Review status: criteria provided, single submitter. Criteria: Invitae Variant Classification Sherloc (09022015). Collection method: clinical testing. Allele origin: germline.
Comment: Advanced modeling of protein sequence and biophysical properties (such as structural, functional, and spatial information, amino acid conservation, physicochemical variation, residue mobility, and thermodynamic stability) performed at Invitae indicates that this missense variant is not expected to disrupt CTNNA3 protein function. This variant has not been reported in the literature in individuals affected with CTNNA3-related conditions. This variant is not present in population databases (gnomAD no frequency). This sequence change replaces methionine, which is neutral and non-polar, with threonine, which is neutral and polar, at codon 435 of the CTNNA3 protein (p.Met435Thr). In summary, the available evidence is currently insufficient to determine the role of this variant in disease. Therefore, it has been classified as a Variant of Uncertain Significance.

Ambry Genetics
Classification: Uncertain significance. Last evaluated: 2023-05-06. Review status: criteria provided, single submitter. Criteria: Ambry Variant Classification Scheme 2023. Collection method: clinical testing. Allele origin: germline.
Comment: The p.M435T variant (also known as c.1304T>C), located in coding exon 9 of the CTNNA3 gene, results from a T to C substitution at nucleotide position 1304. The methionine at codon 435 is replaced by threonine, an amino acid with similar properties. This amino acid position is conserved. In addition, this alteration is predicted to be tolerated by in silico analysis. Since supporting evidence is limited at this time, the clinical significance of this alteration remains unclear.

Blueprint Genetics
Classification: Uncertain significance. Last evaluated: 2017-08-30. Review status: criteria provided, single submitter. Criteria: ACMG Guidelines, 2015. Collection method: clinical testing. Allele origin: germline.